The following is an entry in ClinVar:

ClinVar aggregate classification (germline): Uncertain significance. Review status: criteria provided, multiple submitters, no conflicts (2 of 4 stars). 2 submissions from 2 submitters: Uncertain significance (2). Last evaluated 2023-10-27.

gnomAD v4.1: 5 of 1,614,150 alleles (0.00031%); highest among the groups gnomAD compares: Non-Finnish European, 0.00042%; no homozygotes.

Submissions (2):

Labcorp Genetics (formerly Invitae), Labcorp
Classification: Uncertain significance. Last evaluated: 2023-10-27. Review status: criteria provided, single submitter. Criteria: Invitae Variant Classification Sherloc (09022015). Collection method: clinical testing. Allele origin: germline.
Comment: This sequence change replaces alanine, which is neutral and non-polar, with aspartic acid, which is acidic and polar, at codon 1257 of the COL2A1 protein (p.Ala1257Asp). This variant is not present in population databases (gnomAD no frequency). This variant has not been reported in the literature in individuals affected with COL2A1-related conditions. ClinVar contains an entry for this variant (Variation ID: 1305655). Advanced modeling of protein sequence and biophysical properties (such as structural, functional, and spatial information, amino acid conservation, physicochemical variation, residue mobility, and thermodynamic stability) performed at Invitae indicates that this missense variant is not expected to disrupt COL2A1 protein function with a negative predictive value of 80%. In summary, the available evidence is currently insufficient to determine the role of this variant in disease. Therefore, it has been classified as a Variant of Uncertain Significance.

GeneDx
Classification: Uncertain significance. Last evaluated: 2019-05-07. Review status: criteria provided, single submitter. Criteria: GeneDx Variant Classification Process June 2021. Collection method: clinical testing. Allele origin: germline. Affected: yes.
Comment: Has not been previously published as pathogenic or benign to our knowledge; Not observed in large population cohorts (Lek et al., 2016); In silico analysis, which includes protein predictors and evolutionary conservation, supports a deleterious effect; Not located in the triple helical region, where the majority of pathogenic missense variants occur (Stenson et al., 2014)

NM_001844.5(COL2A1):c.3770C>A (p.Ala1257Asp)

Gene: COL2A1 (collagen type II alpha 1 chain; minus strand). Cytogenetic location: 12q13.11.
Variant type: single nucleotide variant.
Coding change: c.3770C>A on transcript NM_001844.5 (MANE Select); coding-DNA position 3770, C replaced by A.
Protein change: p.Ala1257Asp; replaces alanine 1257 with aspartic acid.
Molecular consequence: missense variant.
Genome position (GRCh38, 1-based): chr12:47,975,433, G>T on the plus strand (C>A on the coding strand, the complement: COL2A1 is on the minus strand). VCF-style: chr12-47975433-G-T. GRCh37 (hg19) VCF-style: chr12-48369216-G-T.
Other names: c.3563C>A, p.Ala1188Asp (NM_033150.3); short protein forms A1188D, A1257D.
Identifiers: ClinVar variation 1305655 (VCV001305655.5), dbSNP rs1169999705, ClinGen allele CA384536731.